The following is an entry in ClinVar:

ClinVar aggregate classification (germline): Uncertain significance (1 of 4 stars; one submission).

Submission:

CeGaT Center for Human Genetics Tuebingen
Classification: Uncertain significance. Last evaluated: 2022-09-01. Review status: criteria provided, single submitter. Criteria: CeGaT Center For Human Genetics Tuebingen Variant Classification Criteria Version 2. Collection method: clinical testing. Allele origin: germline. Affected: yes. Observed: 1 variant allele.
Comment: GABRG2: PM2, PP3, PP4

NM_198904.4(GABRG2):c.769+3A>T

Gene: GABRG2 (gamma-aminobutyric acid type A receptor subunit gamma2; plus strand). Cytogenetic location: 5q34.
Variant type: single nucleotide variant.
Coding change: c.769+3A>T on transcript NM_198904.4 (MANE Select); 3 bases into the intron after coding-DNA position 769, A replaced by T.
Molecular consequence: intron variant.
Genome position (GRCh38, 1-based): chr5:162,104,029, A>T. VCF-style: chr5-162104029-A-T. GRCh37 (hg19) VCF-style: chr5-161531035-A-T.
Other names: c.484+3A>T (NM_001375349.1); c.889+3A>T (NM_001375343.1, NM_198903.2); c.769+3A>T (NM_001375344.1, NM_001375340.1, NM_001375341.1 and 2 more transcripts); c.349+3A>T (NM_001375350.1, NM_001375348.1); c.760+3A>T (NM_001375339.1); c.703+3A>T (NM_001375346.1, NM_001375345.1); c.682+3A>T (NM_001375347.1).
Identifiers: ClinVar variation 1711617 (VCV001711617.30), dbSNP rs2532592897, ClinGen allele CA2580074002.
Genomic context (GRCh38, chr5:162,104,029, plus strand): 5'-TATCAATTCTCATTTGTTGGTCTAAGAAATACCACCGAAGTAGTGAAGACAACTTCCGGT[A>T]AGATGCACTGGCAAAGAATTTCAAGTGACCCTTCCAGAGTTGAAATTTTGGTATATATGA-3'